The following is an entry in ClinVar:

ClinVar aggregate classification (germline): Uncertain significance. Review status: criteria provided, multiple submitters, no conflicts (2 of 4 stars). 2 submissions from 2 submitters: Uncertain significance (2). Last evaluated 2026-01-19.

gnomAD v4.1: 1 of 1,614,086 alleles (0.000062%); highest among the groups gnomAD compares: Admixed American, 0.0017%; no homozygotes.

Submissions (2):

Labcorp Genetics (formerly Invitae), Labcorp
Classification: Uncertain significance. Last evaluated: 2026-01-19. Review status: criteria provided, single submitter. Criteria: Invitae Variant Classification Sherloc (09022015). Collection method: clinical testing. Allele origin: germline.
Comment: This sequence change replaces arginine, which is basic and polar, with leucine, which is neutral and non-polar, at codon 2037 of the HSPG2 protein (p.Arg2037Leu). This variant is not present in population databases (gnomAD no frequency). This variant has not been reported in the literature in individuals affected with HSPG2-related conditions. ClinVar contains an entry for this variant (Variation ID: 994340). An algorithm developed to predict the effect of missense changes on protein structure and function (PolyPhen-2) suggests that this variant is likely to be disruptive. In summary, the available evidence is currently insufficient to determine the role of this variant in disease. Therefore, it has been classified as a Variant of Uncertain Significance.

ARUP Laboratories, Molecular Genetics and Genomics, ARUP Laboratories
Classification: Uncertain significance. Last evaluated: 2020-05-21. Review status: criteria provided, single submitter. Criteria: ARUP Molecular Germline Variant Investigation Process. Collection method: clinical testing. Allele origin: germline.
Comment: The HSPG2 c.6110G>T; p.Arg2037Leu variant (rs760003870), to our knowledge, is not reported in the medical literature or gene-specific databases. This variant is also absent from general population databases (Exome Variant Server, Genome Aggregation Database), indicating it is not a common polymorphism. The arginine at codon 2037 is weakly conserved, but computational analyses (SIFT: tolerated, PolyPhen-2: damaging) predict conflicting effects of this variant on protein structure/function. Due to limited information, the clinical significance of the p.Arg2037Leu variant is uncertain at this time.

NM_005529.7(HSPG2):c.6110G>T (p.Arg2037Leu)

Gene: HSPG2 (heparan sulfate proteoglycan 2; minus strand). Cytogenetic location: 1p36.12.
Variant type: single nucleotide variant.
Coding change: c.6110G>T on transcript NM_005529.7 (MANE Select); coding-DNA position 6110, G replaced by T.
Protein change: p.Arg2037Leu; replaces arginine 2037 with leucine.
Molecular consequence: missense variant.
Genome position (GRCh38, 1-based): chr1:21,854,871, C>A on the plus strand (G>T on the coding strand, the complement: HSPG2 is on the minus strand). VCF-style: chr1-21854871-C-A. GRCh37 (hg19) VCF-style: chr1-22181364-C-A.
Other names: c.6113G>T, p.Arg2038Leu (NM_001291860.2); short protein forms R2037L, R2038L.
Identifiers: ClinVar variation 994340 (VCV000994340.11), dbSNP rs760003870, ClinGen allele CA338934593.